The following is an entry in ClinVar:

NM_001364905.1(LRBA):c.2526T>C (p.Phe842=)

Gene: LRBA (LPS responsive beige-like anchor protein; minus strand). Cytogenetic location: 4q31.3.
Variant type: single nucleotide variant.
Coding change: c.2526T>C on transcript NM_001364905.1 (MANE Select); coding-DNA position 2526, T replaced by C.
Protein change: p.Phe842=; no amino-acid change (phenylalanine 842 retained).
Molecular consequence: synonymous variant.
Genome position (GRCh38, 1-based): chr4:150,868,229, A>G on the plus strand (T>C on the coding strand, the complement: LRBA is on the minus strand). VCF-style: chr4-150868229-A-G. GRCh37 (hg19) VCF-style: chr4-151789381-A-G.
Other names: p.Phe842=; c.2526T>C, p.Phe842= (NM_001367550.1, NM_006726.5, NM_001199282.3).
Identifiers: ClinVar variation 289297 (VCV000289297.66), dbSNP rs139428189, ClinGen allele CA3103217.

ClinVar aggregate classification (germline): Benign/Likely benign. Review status: criteria provided, multiple submitters, no conflicts (2 of 4 stars). 9 submissions from 9 submitters: Benign (5); Likely benign (3). 1 of the submissions does not count toward it. Last evaluated 2026-09-01.

Conditions:
Combined immunodeficiency due to LRBA deficiency. Also called: Common variable immunodeficiency 8, with autoimmunity. Identifiers: Orphanet 445018, MedGen C3553512, MONDO:0013863, OMIM 614700.
LRBA-related disorder. Also called: LRBA-related condition.

Allele frequency attached by ClinVar (database versions not stated): 1000 Genomes Project 0.00100; 1000 Genomes Project 30x 0.00141; TOPMed 0.00302; ExAC 0.00313; gnomAD exomes 0.00314 and 0.00347; ESP Exome Variant Server 0.00331; gnomAD 0.00334 and 0.00376.
gnomAD v4.1: 5,607 of 1,612,782 alleles (0.35%); highest among the groups gnomAD compares: Non-Finnish European, 0.39%; 14 homozygotes.

Submissions (9):

CeGaT Center for Human Genetics Tuebingen
Classification: Likely benign. Last evaluated: 2026-09-01. Review status: criteria provided, single submitter. Criteria: CeGaT Center For Human Genetics Tuebingen Variant Classification Criteria Version 2. Collection method: clinical testing. Allele origin: germline. Affected: yes. Observed: 21 variant alleles.
Comment: LRBA: BP4, BP7

Labcorp Genetics (formerly Invitae), Labcorp
Classification: Benign for Combined immunodeficiency due to LRBA deficiency. Last evaluated: 2026-02-01. Review status: criteria provided, single submitter. Criteria: Invitae Variant Classification Sherloc (09022015). Collection method: clinical testing. Allele origin: germline.

Women's Health and Genetics/Laboratory Corporation of America, LabCorp
Classification: Benign. Last evaluated: 2026-01-22. Review status: criteria provided, single submitter. Criteria: LabCorp Variant Classification Summary - May 2015. Collection method: clinical testing. Allele origin: germline.

ARUP Laboratories, Molecular Genetics and Genomics, ARUP Laboratories
Classification: Benign for Combined immunodeficiency due to LRBA deficiency. Last evaluated: 2023-08-21. Review status: criteria provided, single submitter. Criteria: ARUP Molecular Germline Variant Investigation Process 2024. Collection method: clinical testing. Allele origin: germline.

Mayo Clinic Laboratories, Mayo Clinic
Classification: Benign. Last evaluated: 2022-06-20. Review status: criteria provided, single submitter. Criteria: ACMG Guidelines, 2015. Collection method: clinical testing. Allele origin: germline. Observed: 7 variant alleles.
Comment: BS1, BS2, BP4, BP7

Genetic Services Laboratory, University of Chicago
Classification: Benign. Last evaluated: 2021-12-14. Review status: criteria provided, single submitter. Criteria: ACMG Guidelines, 2015. Collection method: clinical testing. Allele origin: germline. Affected: no.

Eurofins Ntd Llc (ga)
Classification: Likely benign. Last evaluated: 2016-08-12. Review status: criteria provided, single submitter. Criteria: EGL Classification Definitions 2015. Collection method: clinical testing. Allele origin: germline. Observed: 1 variant allele, 1 heterozygote.

Breakthrough Genomics
Classification: Likely benign. Review status: criteria provided, single submitter. Criteria: ACMG Guidelines, 2015. Collection method: not provided. Allele origin: germline. Inheritance: Autosomal recessive inheritance. Affected: yes.

PreventionGenetics, part of Exact Sciences
Classification: Likely benign for LRBA-related condition. Last evaluated: 2019-03-22. Review status: no assertion criteria provided. Collection method: clinical testing. Allele origin: germline. Not counted in ClinVar's aggregate classification.
Comment: This variant is classified as likely benign based on ACMG/AMP sequence variant interpretation guidelines (Richards et al. 2015 PMID: 25741868, with internal and published modifications).